The following is an entry in ClinVar:

NM_004656.4(BAP1):c.431A>G (p.His144Arg)

Gene: BAP1 (BRCA1 associated deubiquitinase 1; minus strand). Cytogenetic location: 3p21.1.
Variant type: single nucleotide variant.
Coding change: c.431A>G on transcript NM_004656.4 (MANE Select); coding-DNA position 431, A replaced by G.
Protein change: p.His144Arg; replaces histidine 144 with arginine.
Molecular consequence: missense variant.
Genome position (GRCh38, 1-based): chr3:52,407,405, T>C on the plus strand (A>G on the coding strand, the complement: BAP1 is on the minus strand). VCF-style: chr3-52407405-T-C. GRCh37 (hg19) VCF-style: chr3-52441421-T-C.
Other names: c.431A>G, p.His144Arg (NM_001410772.1); short protein forms H144R.
Identifiers: ClinVar variation 3986745 (VCV003986745.1).

ClinVar aggregate classification (germline): Uncertain significance (1 of 4 stars; one submission).

Conditions:
Hereditary cancer-predisposing syndrome. Also called: Neoplastic Syndromes, Hereditary; Tumor predisposition; Hereditary Cancer Syndrome; Hereditary neoplastic syndrome. Identifiers: Orphanet 140162, MedGen C0027672, MeSH D009386, MONDO:0015356.

Submission:

Ambry Genetics
Classification: Uncertain significance for Hereditary cancer-predisposing syndrome. Last evaluated: 2025-03-20. Review status: criteria provided, single submitter. Criteria: Ambry Variant Classification Scheme 2023. Collection method: clinical testing. Allele origin: germline.
Comment: The p.H144R variant (also known as c.431A>G), located in coding exon 6 of the BAP1 gene, results from an A to G substitution at nucleotide position 431. The histidine at codon 144 is replaced by arginine, an amino acid with highly similar properties. This amino acid position is conserved. In addition, the in silico prediction for this alteration is inconclusive. Based on the available evidence, the clinical significance of this variant remains unclear.